The following is an entry in ClinVar:

ClinVar aggregate classification (germline): Uncertain significance (1 of 4 stars; one submission).

Conditions:
Hereditary cancer-predisposing syndrome. Also called: Hereditary Cancer Syndrome; Hereditary neoplastic syndrome; Neoplastic Syndromes, Hereditary; Tumor predisposition. Identifiers: Orphanet 140162, MedGen C0027672, MeSH D009386, MONDO:0015356.

Submission:

Ambry Genetics
Classification: Uncertain significance for Hereditary cancer-predisposing syndrome. Last evaluated: 2026-07-29. Review status: criteria provided, single submitter. Criteria: Ambry Variant Classification Scheme 2023. Collection method: clinical testing. Allele origin: germline.
Comment: The p.W78R variant (also known as c.232T>C), located in coding exon 2 of the PTCH1 gene, results from a T to C substitution at nucleotide position 232. The tryptophan at codon 78 is replaced by arginine, an amino acid with dissimilar properties. This amino acid position is highly conserved in available vertebrate species. In addition, this alteration is predicted to be deleterious by in silico analysis. Based on the available evidence, the clinical significance of this variant remains unclear.

NM_000264.5(PTCH1):c.232T>C (p.Trp78Arg)

Gene: PTCH1 (patched 1; minus strand). Cytogenetic location: 9q22.32.
Variant type: single nucleotide variant.
Coding change: c.232T>C on transcript NM_000264.5 (MANE Select); coding-DNA position 232, T replaced by C.
Protein change: p.Trp78Arg; replaces tryptophan 78 with arginine.
Molecular consequence: missense variant. On other transcripts: 5 prime UTR variant (4), non-coding transcript variant (1).
Genome position (GRCh38, 1-based): chr9:95,506,569, A>G on the plus strand (T>C on the coding strand, the complement: PTCH1 is on the minus strand). VCF-style: chr9-95506569-A-G. GRCh37 (hg19) VCF-style: chr9-98268851-A-G.
Other names: c.34T>C, p.Trp12Arg (NM_001083602.3, NM_001354919.2); c.229T>C, p.Trp77Arg (NM_001083603.3); c.-222T>C (NM_001083604.3, NM_001083605.3, NM_001083606.3 and 1 more transcripts); c.232T>C, p.Trp78Arg (NM_001354918.2); short protein forms W12R, W78R, W77R.
Identifiers: ClinVar variation 3939957 (VCV003939957.2).